The following is an entry in ClinVar:

NM_025103.4(IFT74):c.1745A>G (p.Gln582Arg)

Gene: IFT74 (intraflagellar transport 74; plus strand). Cytogenetic location: 9p21.2.
Variant type: single nucleotide variant.
Coding change: c.1745A>G on transcript NM_025103.4 (MANE Select); coding-DNA position 1745, A replaced by G.
Protein change: p.Gln582Arg; replaces glutamine 582 with arginine.
Molecular consequence: missense variant. On other transcripts: 3 prime UTR variant (1).
Genome position (GRCh38, 1-based): chr9:27,062,678, A>G. VCF-style: chr9-27062678-A-G. GRCh37 (hg19) VCF-style: chr9-27062676-A-G.
Other names: c.1745A>G, p.Gln582Arg (NM_001099222.3, NM_001099223.3); c.*681A>G (NM_001349928.2); short protein forms Q582R.
Identifiers: ClinVar variation 4762478 (VCV004762478.1).

ClinVar aggregate classification (germline): Uncertain significance (1 of 4 stars; one submission).

gnomAD v4.1: 3 of 1,610,758 alleles (0.00019%); highest among the groups gnomAD compares: Non-Finnish European, 0.00025%; no homozygotes.

Submission:

Labcorp Genetics (formerly Invitae), Labcorp
Classification: Uncertain significance. Last evaluated: 2025-03-19. Review status: criteria provided, single submitter. Criteria: Invitae Variant Classification Sherloc (09022015). Collection method: clinical testing. Allele origin: germline.
Comment: This sequence change replaces glutamine, which is neutral and polar, with arginine, which is basic and polar, at codon 582 of the IFT74 protein (p.Gln582Arg). This variant is not present in population databases (gnomAD no frequency). This variant has not been reported in the literature in individuals affected with IFT74-related conditions. An algorithm developed to predict the effect of missense changes on protein structure and function (PolyPhen-2) suggests that this variant is likely to be tolerated. In summary, the available evidence is currently insufficient to determine the role of this variant in disease. Therefore, it has been classified as a Variant of Uncertain Significance.